The following is an entry in ClinVar:

NM_000046.5(ARSB):c.898+1G>A

Gene: ARSB (arylsulfatase B; minus strand). Cytogenetic location: 5q14.1.
Variant type: single nucleotide variant.
Coding change: c.898+1G>A on transcript NM_000046.5 (MANE Select); the canonical splice donor site of the intron after coding-DNA position 898, G replaced by A.
Molecular consequence: splice donor variant.
Genome position (GRCh38, 1-based): chr5:78,955,294, C>T on the plus strand (G>A on the coding strand, the complement: ARSB is on the minus strand). VCF-style: chr5-78955294-C-T. GRCh37 (hg19) VCF-style: chr5-78251117-C-T.
Other names: c.898+1G>A (NM_198709.3).
Identifiers: ClinVar variation 1209659 (VCV001209659.6), dbSNP rs1751669303, ClinGen allele CA360191884.

ClinVar aggregate classification (germline): Pathogenic/Likely pathogenic. Review status: criteria provided, multiple submitters, no conflicts (2 of 4 stars). 4 submissions from 4 submitters: Pathogenic (2); Likely pathogenic (2). Last evaluated 2024-07-10.

Conditions:
Mucopolysaccharidosis type 6 (MPS6). Also called: MPS 6; Maroteaux Lamy syndrome; N-ACETYLGALACTOSAMINE-4-SULFATASE DEFICIENCY; MPS VI; ARSB DEFICIENCY; ARYLSULFATASE B DEFICIENCY. Identifiers: Orphanet 583, MedGen C0026709, MONDO:0009661, OMIM 253200.

Submissions (4):

Dr.Nikuei Genetic Center
Classification: Pathogenic for Mucopolysaccharidosis type 6. Last evaluated: 2024-07-10. Review status: criteria provided, single submitter. Criteria: ACMG Guidelines, 2015. Collection method: clinical testing. Allele origin: germline. Affected: yes.

Baylor Genetics
Classification: Pathogenic for Mucopolysaccharidosis type 6. Last evaluated: 2023-08-14. Review status: criteria provided, single submitter. Criteria: ACMG Guidelines, 2015. Collection method: clinical testing. Allele origin: unknown.

Labcorp Genetics (formerly Invitae), Labcorp
Classification: Likely pathogenic for Mucopolysaccharidosis type 6. Last evaluated: 2022-11-09. Review status: criteria provided, single submitter. Criteria: Invitae Variant Classification Sherloc (09022015). Collection method: clinical testing. Allele origin: germline.
Comment: In summary, the currently available evidence indicates that the variant is pathogenic, but additional data are needed to prove that conclusively. Therefore, this variant has been classified as Likely Pathogenic. Algorithms developed to predict the effect of sequence changes on RNA splicing suggest that this variant may disrupt the consensus splice site. ClinVar contains an entry for this variant (Variation ID: 1209659). This variant has not been reported in the literature in individuals affected with ARSB-related conditions. This variant is not present in population databases (gnomAD no frequency). This sequence change affects a donor splice site in intron 4 of the ARSB gene. It is expected to disrupt RNA splicing. Variants that disrupt the donor or acceptor splice site typically lead to a loss of protein function (PMID: 16199547), and loss-of-function variants in ARSB are known to be pathogenic (PMID: 17458871, 22133300).

Genetic Diagnostics Department, Viafet Genomics Laboratory
Classification: Likely pathogenic for Mucopolysaccharidosis type 6. Last evaluated: 2021-07-05. Review status: criteria provided, single submitter. Criteria: ACMG Guidelines, 2015. Collection method: clinical testing. Allele origin: germline. Inheritance: Autosomal recessive inheritance. Affected: no. Observed: 1 variant allele, 1 heterozygote.
Comment: This variant is present in intron 4/7 in a position that is conserved across both transcripts of this gene. This variant is predicted by multiple in silico methods to have a deleterious effect on the protein structure and/or function. In addition, several loss-of-function variants are reported as disease causing in HGMD and/or ClinVar after this position.

Literature cited by the submitters: PubMed 16199547 (cited by Labcorp Genetics (formerly Invitae), Labcorp); PubMed 17458871 (cited by Labcorp Genetics (formerly Invitae), Labcorp); PubMed 22133300 (cited by Labcorp Genetics (formerly Invitae), Labcorp).